The following is an entry in ClinVar:

NM_017763.6(RNF43):c.1095A>G (p.Ala365=)

Gene: RNF43 (ring finger protein 43; minus strand). Cytogenetic location: 17q22.
Variant type: single nucleotide variant.
Coding change: c.1095A>G on transcript NM_017763.6 (MANE Select); coding-DNA position 1095, A replaced by G.
Protein change: p.Ala365=; no amino-acid change (alanine 365 retained).
Molecular consequence: synonymous variant.
Genome position (GRCh38, 1-based): chr17:58,358,681, T>C on the plus strand (A>G on the coding strand, the complement: RNF43 is on the minus strand). VCF-style: chr17-58358681-T-C. GRCh37 (hg19) VCF-style: chr17-56436042-T-C.
Other names: c.1095A>G, p.Ala365= (NM_001305544.3, NM_001438820.1, NM_001438821.1 and 1 more transcripts); c.714A>G, p.Ala238= (NM_001305545.2, NM_001437987.1).
Identifiers: ClinVar variation 5042396 (VCV005042396.1).
Genomic context (GRCh38, chr17:58,358,681, plus strand): 5'-AGGGCCCATGCCTGGCTCCTGGGATGGCAGGAAGGGACCAGGTCGTGGGGGCCGAGCCAC[T>C]GCACTCCGGGAAGGGCCCAACAGGTAGGCAGCAGGGAGGTGGTAGTGGGCATGGCCGGGA-3'
Protein context (NP_060233.3, residues 355-375): AAYLLGPSRS[Ala365=]VARPPRPGPF

ClinVar aggregate classification (germline): Benign (1 of 4 stars; one submission).

Conditions:
Sessile serrated polyposis cancer syndrome (SSPCS). Identifiers: Orphanet 157798, MedGen C4310714, MONDO:0014919, OMIM 617108.

gnomAD v4.1: 3 of 1,530,910 alleles (0.0002%); highest among the groups gnomAD compares: East Asian, 0.0024%; no homozygotes.

Submission:

Myriad Genetics, Inc.
Classification: Benign for Sessile serrated polyposis cancer syndrome. Last evaluated: 2026-07-01. Review status: criteria provided, single submitter. Criteria: Myriad Autosomal Dominant, Autosomal Recessive and X-Linked Classification Criteria (2023). Collection method: clinical testing. Allele origin: unknown.
Comment: This variant is considered benign. This variant is a silent/synonymous amino acid change and it is not expected to impact splicing.